The following is an entry in ClinVar:

ClinVar aggregate classification (germline): Uncertain significance. Review status: criteria provided, multiple submitters, no conflicts (2 of 4 stars). 2 submissions from 2 submitters: Uncertain significance (2). Last evaluated 2024-09-01.

Conditions:
Pheochromocytoma. Also called: MAX-Related Hereditary Paraganglioma-Pheochromocytoma Syndrome. Identifiers: Orphanet 29072, MedGen C0031511, MONDO:0008233, OMIM 171300, HP:0002666.
Cowden syndrome 3 (CWS3). Identifiers: Orphanet 201, MedGen CN166604, MONDO:0014045.
Carney-Stratakis syndrome. Also called: PARAGANGLIOMA AND GASTROINTESTINAL STROMAL TUMOR. Identifiers: Orphanet 97286, MedGen C1847319, MONDO:0011740, OMIM 606864.
Paragangliomas with sensorineural hearing loss. Identifiers: MedGen C1868633.
Hereditary cancer-predisposing syndrome. Also called: Hereditary neoplastic syndrome; Neoplastic Syndromes, Hereditary; Tumor predisposition; Hereditary Cancer Syndrome. Identifiers: Orphanet 140162, MedGen C0027672, MeSH D009386, MONDO:0015356.

Submissions (2):

Ambry Genetics
Classification: Uncertain significance for Hereditary cancer-predisposing syndrome. Last evaluated: 2024-09-01. Review status: criteria provided, single submitter. Criteria: Ambry Variant Classification Scheme 2023. Collection method: clinical testing. Allele origin: germline.
Comment: The p.P41A variant (also known as c.121C>G), located in coding exon 2 of the SDHD gene, results from a C to G substitution at nucleotide position 121. The proline at codon 41 is replaced by alanine, an amino acid with highly similar properties. This amino acid position is conserved. In addition, the in silico prediction for this alteration is inconclusive. Based on the available evidence, the clinical significance of this variant remains unclear.

Labcorp Genetics (formerly Invitae), Labcorp
Classification: Uncertain significance for Carney-Stratakis syndrome; Paragangliomas with sensorineural hearing loss; Pheochromocytoma; Cowden syndrome 3. Last evaluated: 2024-03-20. Review status: criteria provided, single submitter. Criteria: Invitae Variant Classification Sherloc (09022015). Collection method: clinical testing. Allele origin: germline.
Comment: This sequence change replaces proline, which is neutral and non-polar, with alanine, which is neutral and non-polar, at codon 41 of the SDHD protein (p.Pro41Ala). This variant is not present in population databases (gnomAD no frequency). This variant has not been reported in the literature in individuals affected with SDHD-related conditions. ClinVar contains an entry for this variant (Variation ID: 533791). Advanced modeling of protein sequence and biophysical properties (such as structural, functional, and spatial information, amino acid conservation, physicochemical variation, residue mobility, and thermodynamic stability) has been performed at Invitae for this missense variant, however the output from this modeling did not meet the statistical confidence thresholds required to predict the impact of this variant on SDHD protein function. In summary, the available evidence is currently insufficient to determine the role of this variant in disease. Therefore, it has been classified as a Variant of Uncertain Significance.

NM_003002.4(SDHD):c.121C>G (p.Pro41Ala)

Gene: SDHD (succinate dehydrogenase complex subunit D; plus strand). Cytogenetic location: 11q23.1.
Variant type: single nucleotide variant.
Coding change: c.121C>G on transcript NM_003002.4 (MANE Select); coding-DNA position 121, C replaced by G.
Protein change: p.Pro41Ala; replaces proline 41 with alanine.
Molecular consequence: missense variant. On other transcripts: non-coding transcript variant (1), intron variant (1).
Genome position (GRCh38, 1-based): chr11:112,087,925, C>G. VCF-style: chr11-112087925-C-G. GRCh37 (hg19) VCF-style: chr11-111958649-C-G.
Other names: c.121C>G, p.Pro41Ala (NM_001276503.2, NM_001276506.2); c.53-942C>G (NM_001276504.2); c.121C>G (NM_003002.2); short protein forms P41A.
Identifiers: ClinVar variation 533791 (VCV000533791.13), dbSNP rs764006625, ClinGen allele CA382617028.